The following is an entry in ClinVar:

NM_001270.4(CHD1):c.4854T>C (p.Asn1618=)

Gene: CHD1 (chromodomain helicase DNA binding protein 1; minus strand). Cytogenetic location: 5q15.
Variant type: single nucleotide variant.
Coding change: c.4854T>C on transcript NM_001270.4 (MANE Select); coding-DNA position 4854, T replaced by C.
Protein change: p.Asn1618=; no amino-acid change (asparagine 1618 retained).
Molecular consequence: synonymous variant. On other transcripts: non-coding transcript variant (2).
Genome position (GRCh38, 1-based): chr5:98,856,659, A>G on the plus strand (T>C on the coding strand, the complement: CHD1 is on the minus strand). VCF-style: chr5-98856659-A-G. GRCh37 (hg19) VCF-style: chr5-98192363-A-G.
Other names: c.5118T>C, p.Asn1706= (NM_001364113.3); c.4854T>C, p.Asn1618= (NM_001376194.2); c.4854T>C (NM_001270.2).
Identifiers: ClinVar variation 2655605 (VCV002655605.25), dbSNP rs138975765, ClinGen allele CA3355549.

ClinVar aggregate classification (germline): Likely benign. Review status: criteria provided, single submitter (1 of 4 stars). 2 submissions from 2 submitters: Likely benign (1). 1 of the submissions does not count toward it. Last evaluated 2022-07-01.

Conditions:
CHD1-related disorder. Also called: CHD1-related condition.

Allele frequency attached by ClinVar (database versions not stated): TOPMed 0.00008; gnomAD 0.00009; ExAC 0.00056; ESP Exome Variant Server 0.00008.
gnomAD v4.1: 323 of 1,613,606 alleles (0.02%); highest among the groups gnomAD compares: Non-Finnish European, 0.024%; no homozygotes.

Submissions (2):

CeGaT Center for Human Genetics Tuebingen
Classification: Likely benign. Last evaluated: 2022-07-01. Review status: criteria provided, single submitter. Criteria: CeGaT Center For Human Genetics Tuebingen Variant Classification Criteria Version 2. Collection method: clinical testing. Allele origin: germline. Affected: yes. Observed: 1 variant allele.
Comment: CHD1: BP4, BP7

PreventionGenetics, part of Exact Sciences
Classification: Likely benign for CHD1-related condition. Last evaluated: 2019-09-10. Review status: no assertion criteria provided. Collection method: clinical testing. Allele origin: germline. Not counted in ClinVar's aggregate classification.
Comment: This variant is classified as likely benign based on ACMG/AMP sequence variant interpretation guidelines (Richards et al. 2015 PMID: 25741868, with internal and published modifications).